The following is an entry in ClinVar:

NM_006734.4(HIVEP2):c.6496C>G (p.Pro2166Ala)

Gene: HIVEP2 (HIVEP zinc finger 2; minus strand). Cytogenetic location: 6q24.2.
Variant type: single nucleotide variant.
Coding change: c.6496C>G on transcript NM_006734.4 (MANE Select); coding-DNA position 6496, C replaced by G.
Protein change: p.Pro2166Ala; replaces proline 2166 with alanine.
Molecular consequence: missense variant.
Genome position (GRCh38, 1-based): chr6:142,759,792, G>C on the plus strand (C>G on the coding strand, the complement: HIVEP2 is on the minus strand). VCF-style: chr6-142759792-G-C. GRCh37 (hg19) VCF-style: chr6-143080929-G-C.
Other names: short protein forms P2166A.
Identifiers: ClinVar variation 3663932 (VCV003663932.2).
Genomic context (GRCh38, chr6:142,759,792, plus strand): 5'-TTCCACTTATGTATTAGAAAGAAAAGTGGATTATACTTACAGGAGGCCCCAATACAATTG[G>C]CTCTGCTTGCAAATACTGTCCCATGGACAATGGTGGGTTATGGTATAAAGCCCTTCTGGG-3'
Protein context (NP_006725.3, residues 2156-2176): LSMGQYLQAE[Pro2166Ala]IVLGPPNLRR

ClinVar aggregate classification (germline): Uncertain significance (1 of 4 stars; one submission).

Submission:

Labcorp Genetics (formerly Invitae), Labcorp
Classification: Uncertain significance. Last evaluated: 2024-10-15. Review status: criteria provided, single submitter. Criteria: Invitae Variant Classification Sherloc (09022015). Collection method: clinical testing. Allele origin: germline.
Comment: This sequence change replaces proline, which is neutral and non-polar, with alanine, which is neutral and non-polar, at codon 2166 of the HIVEP2 protein (p.Pro2166Ala). This variant is not present in population databases (gnomAD no frequency). This variant has not been reported in the literature in individuals affected with HIVEP2-related conditions. An algorithm developed to predict the effect of missense changes on protein structure and function (PolyPhen-2) suggests that this variant is likely to be tolerated. In summary, the available evidence is currently insufficient to determine the role of this variant in disease. Therefore, it has been classified as a Variant of Uncertain Significance.